The following is an entry in ClinVar:

NM_001105206.3(LAMA4):c.1158G>A (p.Glu386=)

Gene: LAMA4 (laminin subunit alpha 4; minus strand). Cytogenetic location: 6q21.
Variant type: single nucleotide variant.
Coding change: c.1158G>A on transcript NM_001105206.3 (MANE Select); coding-DNA position 1158, G replaced by A.
Protein change: p.Glu386=; no amino-acid change (glutamic acid 386 retained).
Molecular consequence: synonymous variant.
Genome position (GRCh38, 1-based): chr6:112,178,152, C>T on the plus strand (G>A on the coding strand, the complement: LAMA4 is on the minus strand). VCF-style: chr6-112178152-C-T. GRCh37 (hg19) VCF-style: chr6-112499354-C-T.
Other names: c.1137G>A, p.Glu379= (NM_001105207.3, NM_002290.5).
Identifiers: ClinVar variation 413762 (VCV000413762.25), dbSNP rs147894075, ClinGen allele CA3965844.
Genomic context (GRCh38, chr6:112,178,152, plus strand): 5'-TAAACTGAACCAGAAGAGAATATATTTACCTTGGATTTTATCCCTCATATCATGGGCTTG[C>T]TCTACCAGCTGACTTGCGTGGTTAATGGTGTCCATGCTTTCCTTCTGAACAAGTTGTCCT-3'
Protein context (NP_001098676.2, residues 376-396): DTINHASQLV[Glu386=]QAHDMRDKIQ

ClinVar aggregate classification (germline): Benign/Likely benign. Review status: criteria provided, multiple submitters, no conflicts (2 of 4 stars). 10 submissions from 10 submitters: Benign (2); Likely benign (2). 6 of the submissions do not count toward it. Last evaluated 2025-11-26.

Conditions:
Cardiovascular phenotype. Identifiers: MedGen CN230736.
LAMA4-related disorder. Also called: LAMA4-related condition.
Dilated cardiomyopathy 1JJ (CMD1JJ). Identifiers: Orphanet 154, MedGen C3808935, MONDO:0014095, OMIM 615235.

Allele frequency attached by ClinVar (database versions not stated): TOPMed 0.00012; ESP Exome Variant Server 0.00015; gnomAD 0.00026 and 0.00027.
gnomAD v4.1: 499 of 1,613,558 alleles (0.031%); highest among the groups gnomAD compares: Non-Finnish European, 0.036%; no homozygotes.

Submissions (10):

Labcorp Genetics (formerly Invitae), Labcorp
Classification: Benign for Dilated cardiomyopathy 1JJ. Last evaluated: 2025-11-26. Review status: criteria provided, single submitter. Criteria: Invitae Variant Classification Sherloc (09022015). Collection method: clinical testing. Allele origin: germline.

Women's Health and Genetics/Laboratory Corporation of America, LabCorp
Classification: Benign. Last evaluated: 2023-11-06. Review status: criteria provided, single submitter. Criteria: LabCorp Variant Classification Summary - May 2015. Collection method: clinical testing. Allele origin: germline.

ARUP Laboratories, Molecular Genetics and Genomics, ARUP Laboratories
Classification: Likely benign for Dilated cardiomyopathy 1JJ. Last evaluated: 2019-02-23. Review status: criteria provided, single submitter. Criteria: ARUP Molecular Germline Variant Investigation Process. Collection method: clinical testing. Allele origin: germline.

Ambry Genetics
Classification: Likely benign for Cardiovascular phenotype. Last evaluated: 2018-10-18. Review status: criteria provided, single submitter. Criteria: Ambry Variant Classification Scheme 2023. Collection method: clinical testing. Allele origin: germline.

PreventionGenetics, part of Exact Sciences
Classification: Likely benign for LAMA4-related condition. Last evaluated: 2019-10-28. Review status: no assertion criteria provided. Collection method: clinical testing. Allele origin: germline. Not counted in ClinVar's aggregate classification.
Comment: This variant is classified as likely benign based on ACMG/AMP sequence variant interpretation guidelines (Richards et al. 2015 PMID: 25741868, with internal and published modifications).

Clinical Genetics DNA and cytogenetics Diagnostics Lab, Erasmus MC, Erasmus Medical Center
Classification: Likely benign. Review status: no assertion criteria provided. Collection method: clinical testing. Allele origin: germline. Affected: yes. Study: VKGL Data-share Consensus. Not counted in ClinVar's aggregate classification.

Clinical Genetics, Academic Medical Center
Classification: Benign. Review status: no assertion criteria provided. Collection method: clinical testing. Allele origin: germline. Affected: yes. Study: VKGL Data-share Consensus. Not counted in ClinVar's aggregate classification.

Diagnostic Laboratory, Department of Genetics, University Medical Center Groningen
Classification: Likely benign for Dilated cardiomyopathy 1JJ. Review status: no assertion criteria provided. Collection method: clinical testing. Allele origin: germline. Affected: yes. Study: VKGL Data-share Consensus. Not counted in ClinVar's aggregate classification.

Genome Diagnostics Laboratory, University Medical Center Utrecht
Classification: Likely benign. Review status: no assertion criteria provided. Collection method: clinical testing. Allele origin: germline. Affected: yes. Study: VKGL Data-share Consensus. Not counted in ClinVar's aggregate classification.

Joint Genome Diagnostic Labs from Nijmegen and Maastricht, Radboudumc and MUMC+
Classification: Likely benign. Review status: no assertion criteria provided. Collection method: clinical testing. Allele origin: germline. Affected: yes. Study: VKGL Data-share Consensus. Not counted in ClinVar's aggregate classification.